The following is an entry in ClinVar:

ClinVar aggregate classification (germline): Uncertain significance (1 of 4 stars; one submission).

Allele frequency attached by ClinVar (database versions not stated): gnomAD exomes below 0.00001; TOPMed below 0.00001.
gnomAD v4.1: 1 of 1,614,142 alleles (0.000062%); highest among the groups gnomAD compares: Non-Finnish European, 0.000085%; no homozygotes.

Submission:

Labcorp Genetics (formerly Invitae), Labcorp
Classification: Uncertain significance. Last evaluated: 2022-02-08. Review status: criteria provided, single submitter. Criteria: Invitae Variant Classification Sherloc (09022015). Collection method: clinical testing. Allele origin: germline.
Comment: In summary, the available evidence is currently insufficient to determine the role of this variant in disease. Therefore, it has been classified as a Variant of Uncertain Significance. Algorithms developed to predict the effect of missense changes on protein structure and function are either unavailable or do not agree on the potential impact of this missense change (SIFT: "Tolerated"; PolyPhen-2: "Probably Damaging"; Align-GVGD: "Class C0"). This variant has not been reported in the literature in individuals affected with HMCN1-related conditions. This variant is not present in population databases (gnomAD no frequency). This sequence change replaces glutamine, which is neutral and polar, with lysine, which is basic and polar, at codon 3720 of the HMCN1 protein (p.Gln3720Lys).

NM_031935.3(HMCN1):c.11158C>A (p.Gln3720Lys)

Gene: HMCN1 (hemicentin 1; plus strand). Cytogenetic location: 1q31.1.
Variant type: single nucleotide variant.
Coding change: c.11158C>A on transcript NM_031935.3 (MANE Select); coding-DNA position 11158, C replaced by A.
Protein change: p.Gln3720Lys; replaces glutamine 3720 with lysine.
Molecular consequence: missense variant.
Genome position (GRCh38, 1-based): chr1:186,114,005, C>A. VCF-style: chr1-186114005-C-A. GRCh37 (hg19) VCF-style: chr1-186083137-C-A.
Other names: short protein forms Q3720K.
Identifiers: ClinVar variation 2094850 (VCV002094850.4), dbSNP rs1356246531, ClinGen allele CA343940908.